The following is an entry in ClinVar:

NM_001323289.2(CDKL5):c.282+1G>A

Gene: CDKL5 (cyclin dependent kinase like 5; plus strand). Cytogenetic location: Xp22.13.
Variant type: single nucleotide variant.
Coding change: c.282+1G>A on transcript NM_001323289.2 (MANE Select); the canonical splice donor site of the intron after coding-DNA position 282, G replaced by A.
Molecular consequence: splice donor variant.
Genome position (GRCh38, 1-based): chrX:18,575,491, G>A. VCF-style: chrX-18575491-G-A. GRCh37 (hg19) VCF-style: chrX-18593611-G-A.
Other names: c.282+1G>A (NM_003159.3, NM_001037343.2).
Identifiers: ClinVar variation 963731 (VCV000963731.10), dbSNP rs1569213054, ClinGen allele CA412348930.

ClinVar aggregate classification (germline): Pathogenic (1 of 4 stars; one submission).

Conditions:
Developmental and epileptic encephalopathy, 2 (DEE2). Also called: CDKL5 deficiency disorder; INFANTILE SPASM SYNDROME, X-LINKED 2. Identifiers: Orphanet 1934, Orphanet 3451, Orphanet 505652, MedGen C4750718, MONDO:0010396, OMIM 300672.
Angelman syndrome-like. Identifiers: MedGen CN128785.

Submission:

Labcorp Genetics (formerly Invitae), Labcorp
Classification: Pathogenic for Developmental and epileptic encephalopathy, 2; Angelman syndrome-like. Last evaluated: 2019-11-12. Review status: criteria provided, single submitter. Criteria: Invitae Variant Classification Sherloc (09022015). Collection method: clinical testing. Allele origin: germline.
Comment: For these reasons, this variant has been classified as Pathogenic. Donor and acceptor splice site variants typically lead to a loss of protein function (PMID: 16199547), and loss-of-function variants in CDKL5 are known to be pathogenic (PMID: 22872100). Algorithms developed to predict the effect of sequence changes on RNA splicing suggest that this variant may disrupt the consensus splice site, but this prediction has not been confirmed by published transcriptional studies. This variant has been observed in individual(s) with CDKL5-related conditions (PMID: 29390993). In at least one individual the variant was observed to be de novo. This variant is not present in population databases (ExAC no frequency). This sequence change affects a donor splice site in intron 5 of the CDKL5 gene. It is expected to disrupt RNA splicing and likely results in an absent or disrupted protein product.

Literature cited by the submitters: PubMed 16199547; PubMed 22872100; PubMed 29390993.